The following is an entry in ClinVar:

ClinVar aggregate classification (germline): Uncertain significance (1 of 4 stars; one submission).

Allele frequency attached by ClinVar (database versions not stated): gnomAD 0.00001; gnomAD exomes 0.00001 and 0.00002; TOPMed 0.00001; ExAC 0.00002.

Submission:

GeneDx
Classification: Uncertain significance. Last evaluated: 2019-04-12. Review status: criteria provided, single submitter. Criteria: GeneDx Variant Classification Process June 2021. Collection method: clinical testing. Allele origin: germline. Affected: yes.
Comment: Not observed at a significant frequency in large population cohorts (Lek et al., 2016); In silico analysis, which includes protein predictors and evolutionary conservation, supports that this variant does not alter protein structure/function; Has not been previously published as pathogenic or benign to our knowledge

NM_001291303.3(FAT4):c.14495C>T (p.Ala4832Val)

Gene: FAT4 (FAT atypical cadherin 4; plus strand). Cytogenetic location: 4q28.1.
Variant type: single nucleotide variant.
Coding change: c.14495C>T on transcript NM_001291303.3 (MANE Select); coding-DNA position 14495, C replaced by T.
Protein change: p.Ala4832Val; replaces alanine 4832 with valine.
Molecular consequence: missense variant.
Genome position (GRCh38, 1-based): chr4:125,491,311, C>T. VCF-style: chr4-125491311-C-T. GRCh37 (hg19) VCF-style: chr4-126412466-C-T.
Other names: c.14492C>T, p.Ala4831Val (NM_001291285.3); c.14489C>T, p.Ala4830Val (NM_024582.6); short protein forms A4830V, A4831V, A4832V.
Identifiers: ClinVar variation 1305064 (VCV001305064.2), dbSNP rs759650967, ClinGen allele CA3074577.